The following is an entry in ClinVar:

NM_000535.7(PMS2):c.932_934delinsGCG (p.His311_Met312delinsArgVal)

Gene: PMS2 (PMS1 homolog 2, mismatch repair system component; minus strand). Cytogenetic location: 7p22.1.
Variant type: Indel.
Coding change: c.932_934delinsGCG on transcript NM_000535.7 (MANE Select); coding-DNA positions 932 to 934, ACA replaced by GCG.
Protein change: p.His311_Met312delinsArgVal.
Molecular consequence: missense variant. On other transcripts: initiator codon variant (2), non-coding transcript variant (1).
Genome position (GRCh38, 1-based): chr7:5,992,027-5,992,029, TGT replaced by CGC on the plus strand (ACA replaced by GCG on the coding strand, the reverse complement: PMS2 is on the minus strand). VCF-style: chr7-5992027-TGT-CGC. GRCh37 (hg19) VCF-style: chr7-6031658-TGT-CGC.
Other names: c.527_529delACAinsGCG, p.His176_Met177delinsArgVal (NM_001018040.1, NM_001406887.1, NM_001406888.1 and 15 more transcripts); c.527_529delinsGCG, p.His176_Met177delinsArgVal (NM_001322003.2, NM_001322004.2, NM_001322005.2 and 2 more transcripts); c.932_934delinsGCG, p.His311_Met312delinsArgVal (NM_001322006.2, NM_001322014.2); c.614_616delinsGCG, p.His205_Met206delinsArgVal (NM_001322007.2, NM_001322008.2); c.-2_1delinsGCG, p.Met1Val (NM_001322011.2, NM_001322012.2); c.359_361delinsGCG, p.His120_Met121delinsArgVal (NM_001322013.2); c.623_625delinsGCG, p.His208_Met209delinsArgVal (NM_001322015.2); c.1118_1120delACAinsGCG, p.His373_Met374delinsArgVal (NM_001406866.1); and 12 more; short protein forms M1V.
Identifiers: ClinVar variation 1766571 (VCV001766571.3), dbSNP rs2536013737, ClinGen allele CA2580076784.
Genomic context (GRCh38, chr7:5,992,027, plus strand): 5'-ACTTACCTGAATCAACAGAAATGTTAAGAACAACAAATGGATACTGGTGTCGATTATACA[TGT>CGC]GGTAGACCTCATTCACGAGTCTGCAGACCTGCACAAAATACAAGGAGTAGAAAAGAATAA-3'

ClinVar aggregate classification (germline): Uncertain significance (1 of 4 stars; one submission).

Conditions:
Hereditary cancer-predisposing syndrome. Also called: Hereditary Cancer Syndrome; Hereditary neoplastic syndrome; Neoplastic Syndromes, Hereditary; Tumor predisposition. Identifiers: Orphanet 140162, MedGen C0027672, MeSH D009386, MONDO:0015356.

Submission:

Ambry Genetics
Classification: Uncertain significance for Hereditary cancer-predisposing syndrome. Last evaluated: 2022-06-22. Review status: criteria provided, single submitter. Criteria: Ambry Variant Classification Scheme 2023. Collection method: clinical testing. Allele origin: germline.
Comment: The c.932_934delACAinsGCG variant (also known as p.H311_M312delinsRV), located in coding exon 9 of the PMS2 gene, results from an in-frame deletion of ACA and insertion of GCG at nucleotide positions 932 to 934. This results in the substitution of histidine and methionine residues for arginine and valine residues at codons 311 and 312. In addition, this alteration is predicted to be deleterious by in silico analysis (Choi Y et al. PLoS ONE. 2012; 7(10):e46688). Since supporting evidence is limited at this time, the clinical significance of this alteration remains unclear.